The following is an entry in ClinVar:

ClinVar aggregate classification (germline): Likely pathogenic (1 of 4 stars; one submission).

Submission:

Labcorp Genetics (formerly Invitae), Labcorp
Classification: Likely pathogenic. Last evaluated: 2024-03-22. Review status: criteria provided, single submitter. Criteria: Invitae Variant Classification Sherloc (09022015). Collection method: clinical testing. Allele origin: germline.
Comment: This variant results in the deletion of part of exon 26 (c.3284_3288+10del) of the OTOF gene. It is expected to disrupt RNA splicing. Variants that disrupt the donor or acceptor splice site typically lead to a loss of protein function (PMID: 16199547), and loss-of-function variants in OTOF are known to be pathogenic (PMID: 18381613, 19250381, 22575033). This variant is not present in population databases (gnomAD no frequency). This variant has not been reported in the literature in individuals affected with OTOF-related conditions. In summary, the currently available evidence indicates that the variant is pathogenic, but additional data are needed to prove that conclusively. Therefore, this variant has been classified as Likely Pathogenic.

Literature cited by the submitters: PubMed 16199547; PubMed 18381613; PubMed 19250381; PubMed 22575033.

NM_194248.3(OTOF):c.3284_3288+10del

Gene: OTOF (otoferlin; minus strand). Cytogenetic location: 2p23.3.
Variant type: Deletion.
Coding change: c.3284_3288+10del on transcript NM_194248.3 (MANE Select); coding-DNA position 3284 through 10 bases into the intron after coding-DNA position 3288, 15 bases deleted (TGCAGGTGGGACTGC).
Molecular consequence: splice donor variant.
Genome position (GRCh38, 1-based): chr2:26,474,503-26,474,517, GCAGTCCCACCTGCA deleted on the plus strand (TGCAGGTGGGACTGC on the coding strand, the reverse complement: OTOF is on the minus strand); deleting any 15 consecutive bases within chr2:26,474,503-26,474,521 gives the same sequence; the c. name uses the placement nearest the transcript's 3' end. VCF-style (leftmost placement, unchanged base first): chr2-26474502-TGCAGTCCCACCTGCA-T. GRCh37 (hg19) VCF-style: chr2-26697370-TGCAGTCCCACCTGCA-T.
Other names: c.3284_3288+10del (NM_001287489.2); c.1043_1047+10del (NM_194323.3, NM_004802.4); c.1214_1218+10del (NM_194322.3).
Identifiers: ClinVar variation 3673472 (VCV003673472.2).
Genomic context (GRCh38, chr2:26,474,502, plus strand): 5'-GCCCCCAGCCCTAGGCCCCAACTCCCAGCCTCCAGTCCCCAGGCCTCAGCCCCTCTTCCC[TGCAGTCCCACCTGCA>T]GCAGCTCGAAGGCCGCCAGCAGGTCTCCAGCTGTGGCGTTGCCACGGTAGATCTGGTAGT-3'